The following is an entry in ClinVar:

ClinVar aggregate classification (germline): Uncertain significance. Review status: criteria provided, multiple submitters, no conflicts (2 of 4 stars). 2 submissions from 2 submitters: Uncertain significance (2). Last evaluated 2021-12-03.

Conditions:
Deficiency of ferroxidase (ACEP). Also called: Aceruloplasminemia; Ceruloplasmin deficiency; Familial apoceruloplasmin deficiency; Hereditary ceruloplasmin deficiency; NEURODEGENERATION WITH BRAIN IRON ACCUMULATION 10; Deficiency of ceruloplasmin. Identifiers: Orphanet 48818, MedGen C0878682, MONDO:0011426, OMIM 604290, HP:0025498.

Allele frequency attached by ClinVar (database versions not stated): ExAC 0.00001; gnomAD exomes 0.00001; TOPMed 0.00001.
gnomAD v4.1: 12 of 1,613,684 alleles (0.00074%); highest among the groups gnomAD compares: East Asian, 0.0045%; no homozygotes.

Submissions (2):

MGZ Medical Genetics Center
Classification: Uncertain significance for Deficiency of ferroxidase. Last evaluated: 2021-12-03. Review status: criteria provided, single submitter. Criteria: ACMG Guidelines, 2015. Collection method: clinical testing. Allele origin: germline. Affected: yes. Observed: 1 variant allele.
Comment: ACMG criteria applied: PM2_SUP, PP3

Labcorp Genetics (formerly Invitae), Labcorp
Classification: Uncertain significance for Deficiency of ferroxidase. Last evaluated: 2021-11-26. Review status: criteria provided, single submitter. Criteria: Invitae Variant Classification Sherloc (09022015). Collection method: clinical testing. Allele origin: germline.
Comment: In summary, the available evidence is currently insufficient to determine the role of this variant in disease. Therefore, it has been classified as a Variant of Uncertain Significance. This sequence change replaces glycine, which is neutral and non-polar, with serine, which is neutral and polar, at codon 347 of the CP protein (p.Gly347Ser). This variant is present in population databases (rs761317252, gnomAD 0.006%). This variant has not been reported in the literature in individuals affected with CP-related conditions. Algorithms developed to predict the effect of missense changes on protein structure and function are either unavailable or do not agree on the potential impact of this missense change (SIFT: "Deleterious"; PolyPhen-2: "Probably Damaging"; Align-GVGD: "Class C0"). Algorithms developed to predict the effect of sequence changes on RNA splicing suggest that this variant may create or strengthen a splice site.

NM_000096.4(CP):c.1039G>A (p.Gly347Ser)

Gene: CP (ceruloplasmin; minus strand). Cytogenetic location: 3q25.1.
Variant type: single nucleotide variant.
Coding change: c.1039G>A on transcript NM_000096.4 (MANE Select); coding-DNA position 1039, G replaced by A.
Protein change: p.Gly347Ser; replaces glycine 347 with serine.
Molecular consequence: missense variant. On other transcripts: non-coding transcript variant (1).
Genome position (GRCh38, 1-based): chr3:149,206,337, C>T on the plus strand (G>A on the coding strand, the complement: CP is on the minus strand). VCF-style: chr3-149206337-C-T. GRCh37 (hg19) VCF-style: chr3-148924124-C-T.
Other names: short protein forms G347S.
Identifiers: ClinVar variation 1524833 (VCV001524833.7), dbSNP rs761317252, ClinGen allele CA2661156.
Genomic context (GRCh38, chr3:149,206,337, plus strand): 5'-GGATATTATCCTTTGATGAAGACTTGTTACACTCCTGGACCTGGAAAAAGGCTTGCAAAC[C>T]GGCTGAAATGAAACAGAAAGAGGCATTGATTAATGAAGACAATGTTTCTCTCTCCTATTG-3'
Protein context (NP_000087.2, residues 337-357): SCQNLNHLKA[Gly347Ser]LQAFFQVQEC